The following is an entry in ClinVar:

NM_001040142.2(SCN2A):c.4516T>A (p.Ser1506Thr)

Gene: SCN2A (sodium voltage-gated channel alpha subunit 2; plus strand). Cytogenetic location: 2q24.3.
Variant type: single nucleotide variant.
Coding change: c.4516T>A on transcript NM_001040142.2 (MANE Select); coding-DNA position 4516, T replaced by A.
Protein change: p.Ser1506Thr; replaces serine 1506 with threonine.
Molecular consequence: missense variant.
Genome position (GRCh38, 1-based): chr2:165,381,162, T>A. VCF-style: chr2-165381162-T-A. GRCh37 (hg19) VCF-style: chr2-166237672-T-A.
Other names: c.4516T>A, p.Ser1506Thr (NM_001040143.2, NM_001371246.1, NM_001371247.1 and 1 more transcripts); short protein forms S1506T.
Identifiers: ClinVar variation 4783610 (VCV004783610.1).

ClinVar aggregate classification (germline): Uncertain significance (1 of 4 stars; one submission).

Conditions:
Developmental and epileptic encephalopathy, 11 (DEE11). Also called: Early infantile epileptic encephalopathy 11. Identifiers: Orphanet 1934, MedGen C3150987, MONDO:0013388, OMIM 613721.
Seizures, benign familial infantile, 3 (BFIS3). Also called: CONVULSIONS, BENIGN FAMILIAL INFANTILE, 3; Familial neonatal seizures. Identifiers: Orphanet 140927, Orphanet 306, MedGen C1843140, MONDO:0011904, OMIM 607745.

gnomAD v4.1: 1 of 1,589,404 alleles (0.000063%); highest among the groups gnomAD compares: South Asian, 0.0011%; no homozygotes.

Submission:

Labcorp Genetics (formerly Invitae), Labcorp
Classification: Uncertain significance for Seizures, benign familial infantile, 3; Developmental and epileptic encephalopathy, 11. Last evaluated: 2025-04-29. Review status: criteria provided, single submitter. Criteria: Invitae Variant Classification Sherloc (09022015). Collection method: clinical testing. Allele origin: germline.
Comment: This sequence change replaces serine, which is neutral and polar, with threonine, which is neutral and polar, at codon 1506 of the SCN2A protein (p.Ser1506Thr). This variant is present in population databases (no rsID available, gnomAD 0.004%). This variant has not been reported in the literature in individuals affected with SCN2A-related conditions. Invitae Evidence Modeling of protein sequence and biophysical properties (such as structural, functional, and spatial information, amino acid conservation, physicochemical variation, residue mobility, and thermodynamic stability) indicates that this missense variant is expected to disrupt SCN2A protein function with a positive predictive value of 95%. In summary, the available evidence is currently insufficient to determine the role of this variant in disease. Therefore, it has been classified as a Variant of Uncertain Significance.